The following is an entry in ClinVar:

NM_001365088.1(SLC12A6):c.2191del (p.Arg731fs)

Gene: SLC12A6 (solute carrier family 12 member 6; minus strand). Cytogenetic location: 15q14.
Variant type: Deletion.
Coding change: c.2191del on transcript NM_001365088.1 (MANE Select); coding-DNA position 2191, one base deleted (C; older notation c.2191delC).
Protein change: p.Arg731fs; shifts the reading frame from arginine 731.
Molecular consequence: frameshift variant.
Genome position (GRCh38, 1-based): chr15:34,241,309, G deleted on the plus strand (C on the coding strand, the reverse complement: SLC12A6 is on the minus strand); the first of 2 consecutive G bases (chr15:34,241,309-34,241,310); deleting either gives the same sequence. VCF-style (leftmost placement, unchanged base first): chr15-34241308-CG-C. GRCh37 (hg19) VCF-style: chr15-34533509-CG-C.
Other names: c.2014del, p.Arg672fs (NM_001042494.2, NM_001042495.2); c.2164del, p.Arg722fs (NM_001042496.2); c.2146del, p.Arg716fs (NM_001042497.2); c.2038del, p.Arg680fs (NM_005135.2); c.2190delC, p.Arg731Valfs (NM_133647.1); c.2191del, p.Arg731fs (NM_133647.2); short protein forms R672fs, R680fs, R716fs, R722fs, R731fs.
Identifiers: ClinVar variation 4816519 (VCV004816519.1).

ClinVar aggregate classification (germline): Likely pathogenic (1 of 4 stars; one submission).

Conditions:
Agenesis of the corpus callosum with peripheral neuropathy (ACCPN). Also called: CHARLEVOIX DISEASE; HMSN/ACC; Hereditary Motor and Sensory Neuropathy with Agenesis of the Corpus Callosum; POLYNEUROPATHY, SENSORIMOTOR, WITH OR WITHOUT AGENESIS OF THE CORPUS CALLOSUM. Identifiers: Orphanet 1496, MedGen C0795950, MONDO:0000902, OMIM 218000. Disease mechanism: loss of function.

Submission:

Natera, Inc.
Classification: Likely pathogenic for Andermann syndrome. Last evaluated: 2024-06-17. Review status: criteria provided, single submitter. Criteria: Natera Variant Classification Schema (03/2026). Collection method: clinical testing. Allele origin: germline.
Comment: The c.2191del variant in SLC12A6 is a frameshift variant predicted to shift the reading frame beginning at codon 731 and leads to a stop codon 33 codons downstream. This variant is expected to result in nonsense mediated decay, truncation, or a dysfunctional protein product. This variant is rare in the general population with a frequency below the threshold expected for the associated phenotype(s). Given the available evidence, this variant is classified as Likely Pathogenic.